The following is an entry in ClinVar:

ClinVar aggregate classification (germline): Uncertain significance (1 of 4 stars; one submission).

Submission:

GeneDx
Classification: Uncertain significance. Last evaluated: 2023-06-12. Review status: criteria provided, single submitter. Criteria: GeneDx Variant Classification Process June 2021. Collection method: clinical testing. Allele origin: germline. Affected: yes.
Comment: Not observed at significant frequency in large population cohorts (gnomAD); In silico analysis supports that this missense variant has a deleterious effect on protein structure/function; Has not been previously published as pathogenic or benign to our knowledge

NM_020778.5(ALPK3):c.4334A>G (p.Lys1445Arg)

Gene: ALPK3 (alpha kinase 3; plus strand). Cytogenetic location: 15q25.3.
Variant type: single nucleotide variant.
Coding change: c.4334A>G on transcript NM_020778.5 (MANE Select); coding-DNA position 4334, A replaced by G.
Protein change: p.Lys1445Arg; replaces lysine 1445 with arginine.
Molecular consequence: missense variant.
Genome position (GRCh38, 1-based): chr15:84,862,839, A>G. VCF-style: chr15-84862839-A-G. GRCh37 (hg19) VCF-style: chr15-85406070-A-G.
Other names: short protein forms K1445R.
Identifiers: ClinVar variation 3359274 (VCV003359274.1).